The following is an entry in ClinVar:

ClinVar aggregate classification (germline): Uncertain significance (1 of 4 stars; one submission).

Submission:

Labcorp Genetics (formerly Invitae), Labcorp
Classification: Uncertain significance. Last evaluated: 2024-01-16. Review status: criteria provided, single submitter. Criteria: Invitae Variant Classification Sherloc (09022015). Collection method: clinical testing. Allele origin: germline.
Comment: This sequence change replaces proline, which is neutral and non-polar, with leucine, which is neutral and non-polar, at codon 372 of the COL4A1 protein (p.Pro372Leu). This variant is not present in population databases (gnomAD no frequency). This variant has not been reported in the literature in individuals affected with COL4A1-related conditions. Advanced modeling of protein sequence and biophysical properties (such as structural, functional, and spatial information, amino acid conservation, physicochemical variation, residue mobility, and thermodynamic stability) performed at Invitae indicates that this missense variant is not expected to disrupt COL4A1 protein function with a negative predictive value of 95%. In summary, the available evidence is currently insufficient to determine the role of this variant in disease. Therefore, it has been classified as a Variant of Uncertain Significance.

NM_001845.6(COL4A1):c.1115C>T (p.Pro372Leu)

Gene: COL4A1 (collagen type IV alpha 1 chain; minus strand). Cytogenetic location: 13q34.
Variant type: single nucleotide variant.
Coding change: c.1115C>T on transcript NM_001845.6 (MANE Select); coding-DNA position 1115, C replaced by T.
Protein change: p.Pro372Leu; replaces proline 372 with leucine.
Molecular consequence: missense variant.
Genome position (GRCh38, 1-based): chr13:110,200,859, G>A on the plus strand (C>T on the coding strand, the complement: COL4A1 is on the minus strand). VCF-style: chr13-110200859-G-A. GRCh37 (hg19) VCF-style: chr13-110853206-G-A.
Other names: c.1115C>T, p.Pro372Leu (NM_001303110.2); short protein forms P372L.
Identifiers: ClinVar variation 2708592 (VCV002708592.3), dbSNP rs2501564956, ClinGen allele CA388724239.